The following is an entry in ClinVar:

NM_003227.4(TFR2):c.303C>T (p.Tyr101=)

Gene: TFR2 (transferrin receptor 2; minus strand). Cytogenetic location: 7q22.1.
Variant type: single nucleotide variant.
Coding change: c.303C>T on transcript NM_003227.4 (MANE Select); coding-DNA position 303, C replaced by T.
Protein change: p.Tyr101=; no amino-acid change (tyrosine 101 retained).
Molecular consequence: synonymous variant.
Genome position (GRCh38, 1-based): chr7:100,640,856, G>A on the plus strand (C>T on the coding strand, the complement: TFR2 is on the minus strand). VCF-style: chr7-100640856-G-A. GRCh37 (hg19) VCF-style: chr7-100238479-G-A.
Identifiers: ClinVar variation 695178 (VCV000695178.17), dbSNP rs376955913, ClinGen allele CA4386875.
Genomic context (GRCh38, chr7:100,640,856, plus strand): 5'-ATCCTCACTGACCACCAACACAGAGTCTCCGCACGCCTGGCAGGACCCTCGGAAGGCGAC[G>A]TAGCCCAGTAGGAAGGCTGGCGGGTGGCAAGATGGGGATTCTCTTTATGCCCACCTCTGG-3'
Protein context (NP_003218.2, residues 91-111): LIFTGAFLLG[Tyr101=]VAFRGSCQAC

ClinVar aggregate classification (germline): Conflicting classifications of pathogenicity. Review status: criteria provided, conflicting classifications (1 of 4 stars). 4 submissions from 4 submitters: Uncertain significance (1); Likely benign (2). 1 of the submissions does not count toward it. Last evaluated 2025-12-26.

Conditions:
Hereditary hemochromatosis (HFE). Identifiers: MedGen C0392514, MONDO:0006507. Disease mechanism: loss of function.
Hemochromatosis type 3 (HFE3). Also called: HEMOCHROMATOSIS DUE TO DEFECT IN TRANSFERRIN RECEPTOR 2; TFR2-Related Hemochromatosis; Hereditary hemochromatosis type 3. Identifiers: Orphanet 225123, MedGen C1858664, MONDO:0011417, OMIM 604250.

Allele frequency attached by ClinVar (database versions not stated): ESP Exome Variant Server 0.00008; TOPMed 0.00009; gnomAD 0.00014 and 0.00015.
gnomAD v4.1: 141 of 1,614,066 alleles (0.0087%); highest among the groups gnomAD compares: Middle Eastern, 0.28%; no homozygotes.

Submissions (4):

Labcorp Genetics (formerly Invitae), Labcorp
Classification: Likely benign for Hereditary hemochromatosis. Last evaluated: 2025-12-26. Review status: criteria provided, single submitter. Criteria: Invitae Variant Classification Sherloc (09022015). Collection method: clinical testing. Allele origin: germline.

Blueprint Genetics
Classification: Likely benign. Last evaluated: 2024-10-08. Review status: criteria provided, single submitter. Criteria: ACMG Guidelines, 2015. Collection method: clinical testing. Allele origin: germline.

Illumina Laboratory Services, Illumina
Classification: Uncertain significance for Hemochromatosis type 3. Last evaluated: 2018-01-02. Review status: criteria provided, single submitter. Criteria: ICSL Variant Classification Criteria 13 December 2019. Collection method: clinical testing. Allele origin: germline.
Comment: This variant was observed as part of a predisposition screen in an ostensibly healthy population. A literature search was performed for the gene, cDNA change, and amino acid change (where applicable). Publications were found based on this search. However, the evidence from the literature, in combination with allele frequency data from public databases where available, was not sufficient to rule this variant in or out of causing disease. Therefore, this variant is classified as a variant of unknown significance.

Natera, Inc.
Classification: Uncertain significance for Hereditary hemochromatosis type 3. Last evaluated: 2019-11-13. Review status: no assertion criteria provided. Collection method: clinical testing. Allele origin: germline. Not counted in ClinVar's aggregate classification.

Literature cited by the submitters: PubMed 27667161 (cited by Illumina Laboratory Services, Illumina).